The following is an entry in ClinVar:

ClinVar aggregate classification (germline): Uncertain significance (1 of 4 stars; one submission).

Conditions:
PHIP-related disorder. Also called: PHIP-related condition; PHIP-related disorders.

gnomAD v4.1: 1 of 1,614,128 alleles (0.000062%); highest among the groups gnomAD compares: Non-Finnish European, 0.000085%; no homozygotes.

Submission:

PreventionGenetics, part of Exact Sciences
Classification: Uncertain significance for PHIP-related condition. Last evaluated: 2026-09-02. Review status: criteria provided, single submitter. Criteria: ACMG Guidelines, 2015. Collection method: clinical testing. Allele origin: germline.
Comment: The PHIP c.4991A>G variant is predicted to result in the amino acid substitution p.Lys1664Arg. To our knowledge, this variant has not been reported in the literature or in a large population database (gnomAD), indicating this variant is rare. At this time, the clinical significance of this variant is uncertain due to the absence of conclusive functional and genetic evidence.

NM_017934.7(PHIP):c.4991A>G (p.Lys1664Arg)

Genes: IRAK1BP1 (interleukin 1 receptor associated kinase 1 binding protein 1; plus strand), PHIP (PHIP subunit of CUL4-Ring ligase complex; minus strand). Cytogenetic location: 6q14.1.
Variant type: single nucleotide variant.
Coding change: c.4991A>G on transcript NM_017934.7 (MANE Select); coding-DNA position 4991, A replaced by G.
Protein change: p.Lys1664Arg; replaces lysine 1664 with arginine.
Molecular consequence: missense variant.
Genome position (GRCh38, 1-based): chr6:78,941,168, T>C on the plus strand (A>G on the coding strand, the complement: PHIP is on the minus strand). VCF-style: chr6-78941168-T-C. GRCh37 (hg19) VCF-style: chr6-79650885-T-C.
Other names: short protein forms K1664R.
Identifiers: ClinVar variation 4996279 (VCV004996279.1).